The following is an entry in ClinVar:

ClinVar aggregate classification (germline): Uncertain significance (1 of 4 stars; one submission).

Allele frequency attached by ClinVar (database versions not stated): gnomAD exomes below 0.00001; ExAC 0.00001; gnomAD 0.00001; TOPMed 0.00002.

Submission:

Labcorp Genetics (formerly Invitae), Labcorp
Classification: Uncertain significance. Last evaluated: 2025-08-31. Review status: criteria provided, single submitter. Criteria: Invitae Variant Classification Sherloc (09022015). Collection method: clinical testing. Allele origin: germline.
Comment: This sequence change replaces asparagine, which is neutral and polar, with serine, which is neutral and polar, at codon 124 of the CLUAP1 protein (p.Asn124Ser). This variant is present in population databases (rs753227494, gnomAD 0.007%). This variant has not been reported in the literature in individuals affected with CLUAP1-related conditions. ClinVar contains an entry for this variant (Variation ID: 955831). Invitae Evidence Modeling of protein sequence and biophysical properties (such as structural, functional, and spatial information, amino acid conservation, physicochemical variation, residue mobility, and thermodynamic stability) indicates that this missense variant is not expected to disrupt CLUAP1 protein function with a negative predictive value of 80%. In summary, the available evidence is currently insufficient to determine the role of this variant in disease. Therefore, it has been classified as a Variant of Uncertain Significance.

NM_015041.3(CLUAP1):c.371A>G (p.Asn124Ser)

Gene: CLUAP1 (clusterin associated protein 1; plus strand). Cytogenetic location: 16p13.3.
Variant type: single nucleotide variant.
Coding change: c.371A>G on transcript NM_015041.3 (MANE Select); coding-DNA position 371, A replaced by G.
Protein change: p.Asn124Ser; replaces asparagine 124 with serine.
Molecular consequence: missense variant.
Genome position (GRCh38, 1-based): chr16:3,508,440, A>G. VCF-style: chr16-3508440-A-G. GRCh37 (hg19) VCF-style: chr16-3558440-A-G.
Other names: c.371A>G, p.Asn124Ser (NM_001330454.2); short protein forms N124S.
Identifiers: ClinVar variation 955831 (VCV000955831.9), dbSNP rs753227494, ClinGen allele CA7863698.